The following is an entry in ClinVar:

ClinVar aggregate classification (germline): Uncertain significance (1 of 4 stars; one submission).

Submission:

GeneDx
Classification: Uncertain significance. Last evaluated: 2022-01-06. Review status: criteria provided, single submitter. Criteria: GeneDx Variant Classification Process June 2021. Collection method: clinical testing. Allele origin: germline. Affected: yes.
Comment: Not observed at significant frequency in large population cohorts (gnomAD); In silico analysis supports that this missense variant has a deleterious effect on protein structure/function; Has not been previously published as pathogenic or benign to our knowledge

NM_001128840.3(CACNA1D):c.2644C>T (p.Leu882Phe)

Gene: CACNA1D (calcium voltage-gated channel subunit alpha1 D; plus strand). Cytogenetic location: 3p21.1.
Variant type: single nucleotide variant.
Coding change: c.2644C>T on transcript NM_001128840.3 (MANE Select); coding-DNA position 2644, C replaced by T.
Protein change: p.Leu882Phe; replaces leucine 882 with phenylalanine.
Molecular consequence: missense variant.
Genome position (GRCh38, 1-based): chr3:53,735,396, C>T. VCF-style: chr3-53735396-C-T. GRCh37 (hg19) VCF-style: chr3-53769423-C-T.
Other names: c.2704C>T, p.Leu902Phe (NM_000720.4); c.2644C>T, p.Leu882Phe (NM_001128839.3); short protein forms L882F, L902F.
Identifiers: ClinVar variation 1695475 (VCV001695475.2), dbSNP rs2108786607, ClinGen allele CA353242345.